The following is an entry in ClinVar:

NM_003978.5(PSTPIP1):c.1124C>T (p.Pro375Leu)

Gene: PSTPIP1 (proline-serine-threonine phosphatase interacting protein 1; plus strand). Cytogenetic location: 15q24.3.
Variant type: single nucleotide variant.
Coding change: c.1124C>T on transcript NM_003978.5 (MANE Select); coding-DNA position 1124, C replaced by T.
Protein change: p.Pro375Leu; replaces proline 375 with leucine.
Molecular consequence: missense variant. On other transcripts: non-coding transcript variant (1).
Genome position (GRCh38, 1-based): chr15:77,037,049, C>T. VCF-style: chr15-77037049-C-T. GRCh37 (hg19) VCF-style: chr15-77329390-C-T.
Other names: c.1067C>T, p.Pro356Leu (NM_001321135.2); c.1097C>T, p.Pro366Leu (NM_001321136.2); c.1319C>T, p.Pro440Leu (NM_001321137.1); short protein forms P375L, P440L, P356L, P366L.
Identifiers: ClinVar variation 618850 (VCV000618850.10), dbSNP rs1338203882, ClinGen allele CA393521932.
Genomic context (GRCh38, chr15:77,037,049, plus strand): 5'-GCAGGCCCTTCCCTGCAGGCCCTTCCAACGTCATGCGCTTTCAATCTCTTGGCCAGAACC[C>T]AGATGAGCTGGACCTGTCCGCGGGAGACATCCTGGAGGTGATCCTGGAAGGGGAGGATGG-3'
Protein context (NP_003969.2, residues 365-385): RALYDYTAQN[Pro375Leu]DELDLSAGDI

ClinVar aggregate classification (germline): Uncertain significance. Review status: criteria provided, multiple submitters, no conflicts (2 of 4 stars). 3 submissions from 3 submitters: Uncertain significance (3). Last evaluated 2026-02-13.

Conditions:
Pyogenic arthritis-pyoderma gangrenosum-acne syndrome (PAPA). Also called: FAMILIAL RECURRENT ARTHRITIS; PAPA SYNDROME. Identifiers: Orphanet 69126, MedGen C1858361, MONDO:0011462, OMIM 604416.

Allele frequency attached by ClinVar (database versions not stated): gnomAD exomes below 0.00001.
gnomAD v4.1: 6 of 1,612,056 alleles (0.00037%); highest among the groups gnomAD compares: Admixed American, 0.0017%; no homozygotes.

Submissions (3):

GeneDx
Classification: Uncertain significance. Last evaluated: 2026-02-13. Review status: criteria provided, single submitter. Criteria: GeneDx Variant Classification Process June 2021. Collection method: clinical testing. Allele origin: germline.
Comment: Not observed at significant frequency in large population cohorts (gnomAD); In silico analysis suggests that this missense variant does not alter protein structure/function; Has not been previously published as pathogenic or benign to our knowledge

Labcorp Genetics (formerly Invitae), Labcorp
Classification: Uncertain significance for Pyogenic arthritis, pyoderma gangrenosum and acne. Last evaluated: 2019-04-24. Review status: criteria provided, single submitter. Criteria: Invitae Variant Classification Sherloc (09022015). Collection method: clinical testing. Allele origin: germline.
Comment: This sequence change replaces proline with leucine at codon 375 of the PSTPIP1 protein (p.Pro375Leu). The proline residue is weakly conserved and there is a moderate physicochemical difference between proline and leucine. This variant is not present in population databases (ExAC no frequency). This variant has not been reported in the literature in individuals with PSTPIP1-related conditions. ClinVar contains an entry for this variant (Variation ID: 618850). Algorithms developed to predict the effect of missense changes on protein structure and function (SIFT, PolyPhen-2, Align-GVGD) all suggest that this variant is likely to be tolerated, but these predictions have not been confirmed by published functional studies and their clinical significance is uncertain. In summary, the available evidence is currently insufficient to determine the role of this variant in disease. Therefore, it has been classified as a Variant of Uncertain Significance.

ARUP Laboratories, Molecular Genetics and Genomics, ARUP Laboratories
Classification: Uncertain significance. Last evaluated: 2017-12-01. Review status: criteria provided, single submitter. Criteria: ARUP Molecular Germline Variant Investigation Process. Collection method: clinical testing. Allele origin: germline.
Comment: The PSTPIP1 c.1124C>T; p.Pro375Leu variant is not published in the medical literature, in gene-specific databases, or in the ClinVar database. The variant is not listed in the dbSNP variant database, nor in the general population-based databases (Exome Variant Server, Genome Aggregation Database). The proline at this position is weakly conserved across species and computational algorithms (AlignGVGD, PolyPhen2, SIFT) predict this variant is tolerated. However, this variant occurs in the SH3 domain, which is a critical functional domain for PSTPIP1 function. Considering available information, the clinical significance of this variant cannot be determined with certainty. Pathogenic PSTPIP1 variants are associated with Pyogenic sterile arthritis, pyoderma gangrenosum, and acne syndrome (PAPA, MIM# 604416). References: Marcos T et al. Proline-serine-threonine phosphatase interacting protein 1 inhibition of T-cell receptor signaling depends on its SH3 domain. FEBS J. 2014 Sep;281(17):3844-54.